The following is an entry in ClinVar:

NM_006648.4(WNK2):c.3798C>G (p.Asp1266Glu)

Gene: WNK2 (WNK lysine deficient protein kinase 2; plus strand). Cytogenetic location: 9q22.31.
Variant type: single nucleotide variant.
Coding change: c.3798C>G on transcript NM_006648.4 (MANE Select); coding-DNA position 3798, C replaced by G.
Protein change: p.Asp1266Glu; replaces aspartic acid 1266 with glutamic acid.
Molecular consequence: missense variant.
Genome position (GRCh38, 1-based): chr9:93,267,847, C>G. VCF-style: chr9-93267847-C-G. GRCh37 (hg19) VCF-style: chr9-96030129-C-G.
Other names: c.3798C>G, p.Asp1266Glu (NM_001282394.3); short protein forms D1266E.
Identifiers: ClinVar variation 4866739 (VCV004866739.1).

ClinVar aggregate classification (germline): Uncertain significance (1 of 4 stars; one submission).

Submission:

Ambry Genetics
Classification: Uncertain significance. Last evaluated: 2026-06-08. Review status: criteria provided, single submitter. Criteria: Ambry Variant Classification Scheme 2023. Collection method: clinical testing. Allele origin: germline.
Comment: The p.D1266E variant (also known as c.3798C>G), located in coding exon 16 of the WNK2 gene, results from a C to G substitution at nucleotide position 3798. The aspartic acid at codon 1266 is replaced by glutamic acid, an amino acid with highly similar properties. This amino acid position is conserved. In addition, this alteration is predicted to be tolerated by in silico analysis. Based on the available evidence, the clinical significance of this variant remains unclear.